The following is an entry in ClinVar:

ClinVar aggregate classification (germline): Uncertain significance (1 of 4 stars; one submission).

Conditions:
DICER1-related tumor predisposition. Also called: DICER1 syndrome; DICER1-related pleuropulmonary blastoma cancer predisposition syndrome. Identifiers: Orphanet 284343, MedGen C3839822, MONDO:0100216.

Submission:

Labcorp Genetics (formerly Invitae), Labcorp
Classification: Uncertain significance for DICER1-related tumor predisposition. Last evaluated: 2023-07-16. Review status: criteria provided, single submitter. Criteria: Invitae Variant Classification Sherloc (09022015). Collection method: clinical testing. Allele origin: germline.
Comment: In summary, the available evidence is currently insufficient to determine the role of this variant in disease. Therefore, it has been classified as a Variant of Uncertain Significance. Advanced modeling of protein sequence and biophysical properties (such as structural, functional, and spatial information, amino acid conservation, physicochemical variation, residue mobility, and thermodynamic stability) has been performed at Invitae for this missense variant, however the output from this modeling did not meet the statistical confidence thresholds required to predict the impact of this variant on DICER1 protein function. This variant has not been reported in the literature in individuals affected with DICER1-related conditions. This variant is not present in population databases (gnomAD no frequency). This sequence change replaces proline, which is neutral and non-polar, with leucine, which is neutral and non-polar, at codon 200 of the DICER1 protein (p.Pro200Leu).

NM_177438.3(DICER1):c.599C>T (p.Pro200Leu)

Gene: DICER1 (dicer 1, ribonuclease III; minus strand). Cytogenetic location: 14q32.13.
Variant type: single nucleotide variant.
Coding change: c.599C>T on transcript NM_177438.3 (MANE Select); coding-DNA position 599, C replaced by T.
Protein change: p.Pro200Leu; replaces proline 200 with leucine.
Molecular consequence: missense variant. On other transcripts: 5 prime UTR variant (1), non-coding transcript variant (6).
Genome position (GRCh38, 1-based): chr14:95,129,607, G>A on the plus strand (C>T on the coding strand, the complement: DICER1 is on the minus strand). VCF-style: chr14-95129607-G-A. GRCh37 (hg19) VCF-style: chr14-95595944-G-A.
Other names: c.599C>T, p.Pro200Leu (NM_001395682.1, NM_001395683.1, NM_001395684.1 and 15 more transcripts); c.317C>T, p.Pro106Leu (NM_001395686.1); c.194C>T, p.Pro65Leu (NM_001395687.1, NM_001395688.1, NM_001395689.1 and 3 more transcripts); c.32C>T, p.Pro11Leu (NM_001395691.1); c.-970C>T (NM_001395697.1); short protein forms P11L, P200L, P65L, P106L.
Identifiers: ClinVar variation 2743527 (VCV002743527.3), dbSNP rs2140261280, ClinGen allele CA390888253.
Genomic context (GRCh38, chr14:95,129,607, plus strand): 5'-TCCAATTCCTCTGGATCACATTTCCCATTTAAAATGGAAGCAGTTAGTCCCAAAATGCGA[G>A]GACATGATGGACAATTTTCACAGAGCTAACATAATAAAAGATACTGACAGTAAAGACTTC-3'
Protein context (NP_803187.1, residues 190-210): MKLCENCPSC[Pro200Leu]RILGLTASIL